The following continues an entry in ClinVar:

NM_033380.3(COL4A5):c.1871G>A (p.Gly624Asp)

Gene: COL4A5. ClinVar aggregate classification (germline): Pathogenic/Likely pathogenic. Pathogenic (34); Likely pathogenic (6).

Submissions 9 to 19 of 43:

Labcorp Genetics (formerly Invitae), Labcorp
Classification: Pathogenic. Last evaluated: 2026-02-01. Review status: criteria provided, single submitter. Criteria: Invitae Variant Classification Sherloc (09022015). Collection method: clinical testing. Allele origin: germline.
Comment: This sequence change replaces glycine, which is neutral and non-polar, with aspartic acid, which is acidic and polar, at codon 624 of the COL4A5 protein (p.Gly624Asp). This variant is present in population databases (rs104886142, gnomAD 0.02%), including at least one homozygous and/or hemizygous individual. This missense change has been observed in individuals with a spectrum of COL4A5-related conditions which range from mild to severe and include benign familial hematuria, thin basement membrane nephropathy, late onset end stage renal disease, and Alport syndrome. (PMID: 17396119, 21332469, 21688191, 24470729, 26809805, 26934356, 29854973, 33309955). It has also been observed to segregate with disease in related individuals. ClinVar contains an entry for this variant (Variation ID: 24455). Invitae Evidence Modeling of protein sequence and biophysical properties (such as structural, functional, and spatial information, amino acid conservation, physicochemical variation, residue mobility, and thermodynamic stability) has been performed for this missense variant. However, the output from this modeling did not meet the statistical confidence thresholds required to predict the impact of this variant on COL4A5 protein function. For these reasons, this variant has been classified as Pathogenic.

Variantyx, Inc.
Classification: Pathogenic for X-linked Alport syndrome. Last evaluated: 2025-12-23. Review status: criteria provided, single submitter. Criteria: Variantyx Assertion Criteria 2022. Collection method: clinical testing. Allele origin: maternal. Inheritance: X-linked dominant inheritance. Affected: yes.
Comment: This is a nonsynonymous variant in the COL4A5 gene (OMIM: 303630). Pathogenic variants in this gene have been associated with X-linked Alport syndrome 1. This variant has been observed to segregate with disease in at least 7 individuals from 3 families (PMID: 24470729, 30691124, 17396119) (PP1). This variant lies within a well-established critical functional domain of the COL4A5 protein (PM1), functional studies have shown that this alters COL4A5 protein function (PMID: 29526701) (PS3_Moderate), and multiple computational algorithms predict a deleterious effect (REVEL score: 0.91) (PP3). This variant has a 0.0061% maximum allele frequency in non-founder control populations. Based on the current evidence, this variant is classified as pathogenic for X-linked Alport syndrome 1.

Natera, Inc.
Classification: Pathogenic for X-linked Alport syndrome. Last evaluated: 2025-09-11. Review status: criteria provided, single submitter. Criteria: Natera Variant Classification Schema (03/2026). Collection method: clinical testing. Allele origin: germline.
Comment: The c.1871G>A variant in COL4A5 is a missense variant predicted to cause substitution of glycine to aspartic acid at amino acid 624. This variant is rare in the general population with a frequency below the threshold expected for the associated phenotype(s). This variant has been observed in affected individual(s) with monoallelic occurrence (heterozygous/hemizygous) (PMID: 33309955). Additionally, this variant has been observed to segregate in affected family members (PMID: 33233744). This variant has been found in a case with an alternate molecular basis for disease (PMID: 36100708). Functional studies show that this variant may disrupt protein function (PMID: 30104322). Computational prediction algorithms indicate this variant is likely to affect gene or protein function. Given the available evidence, this variant is classified as Pathogenic.

Genetics Laboratory, Great Ormond Street Hospital NHS Foundation Trust, North Thames Genomic Laboratory Hub
Classification: Likely pathogenic for Monogenic hearing loss. Last evaluated: 2025-08-29. Review status: criteria provided, single submitter. Criteria: ACGS Best Practice Guidelines for Variant Classification in Rare Disease 2024 v1.2. Collection method: clinical testing. Allele origin: germline. Affected: yes.
Comment: PS4_moderate, PM2_moderate, PP3_supporting, PM1_strong

ARUP Laboratories, Molecular Genetics and Genomics, ARUP Laboratories
Classification: Pathogenic for X-linked Alport syndrome. Last evaluated: 2025-07-16. Review status: criteria provided, single submitter. Criteria: ARUP Molecular Germline Variant Investigation Process 2024. Collection method: clinical testing. Allele origin: germline.
Comment: The COL4A5 c.1871G>A; p.Gly624Asp variant (rs104886142) is reported in the literature in multiple individuals and families affected with Alport syndrome, but is associated with a mild form of disease, including individuals with benign familial hematuria (Demosthenous 2012, Kovacs 2016, Martin 1998, Pierides 2013, Slajpah 2007, Tan 2010, Weber 2016). This variant is reported in ClinVar (Variation ID: 24455), and is found in the non-Finnish European population with an allele frequency of 0.020% (16/81695 alleles, including 4 hemizygotes) in the Genome Aggregation Database. Computational analyses predict that this variant is deleterious (REVEL: 0.91). This variant disrupts the repeating Gly-X-Y sequence motif of the collagen triple helix and is predicted to impair collagen function (Persikov 2004, Weerakkody 2016). Based on available information, this variant is considered to be pathogenic. References: Demosthenous P et al. X-linked Alport syndrome in Hellenic families: phenotypic heterogeneity and mutations near interruptions of the collagen domain in COL4A5. Clin Genet. 2012 Mar;81(3):240-8. PMID: 21332469. Kovacs G et al. Efficient Targeted Next Generation Sequencing-Based Workflow for Differential Diagnosis of Alport-Related Disorders. PLoS One. 2016 Mar 2;11(3):e0149241. PMID: 26934356. Martin P et al. High mutation detection rate in the COL4A5 collagen gene in suspected Alport syndrome using PCR and direct DNA sequencing. J Am Soc Nephrol. 1998 Dec;9(12):2291-301. PMID: 9848783. Pierides A eta l. X-linked, COL4A5 hypomorphic Alport mutations such as G624D and P628L may only exhibit thin basement membrane nephropathy with microhematuria and late onset kidney failure. Hippokratia. 2013 Jul;17(3):207-13. PMID: 24470729. Persikov AV et al. Stability related bias in residues replacing glycines within the collagen triple helix (Gly-Xaa-Yaa) in inherited connective tissue disorders. Hum Mutat. 2004 Oct;24(4):330-7. PMID: 15365990. Slajpah M et al. Sixteen novel mutations identified in COL4A3, COL4A4, and COL4A5 genes in Slovenian families with Alport syndrome and benign familial hematuria. Kidney Int. 2007 Jun;71(12):1287-95. PMID: 17396119. Tan R et al. Alport retinopathy results from "severe" COL4A5 mutations and predicts early renal failure. Clin J Am Soc Nephrol. 2010 Jan;5(1):34-8. PMID: 19965530. Weber S et al. Identification of 47 novel mutations in patients with Alport syndrome and thin basement membrane nephropathy. Pediatr Nephrol. 2016 Jun;31(6):941-55. PMID: 26809805. Weerakkody RA et al. Targeted next-generation sequencing makes new molecular diagnoses and expands genotype-phenotype relationship in Ehlers-Danlos syndrome. Genet Med. 2016 Nov;18(11):1119-1127. PMID: 27011056.

Center for Genomics, Ann and Robert H. Lurie Children's Hospital of Chicago
Classification: Pathogenic for Alport syndrome. Last evaluated: 2025-07-07. Review status: criteria provided, single submitter. Criteria: ACMG Guidelines, 2015. Collection method: clinical testing. Allele origin: germline. Inheritance: X-linked inheritance.
Comment: This is a highly recurrent variant that has been reported in numerous individuals and families with clinical features consistent with Alport syndrome, benign familial hematuria, and thin basement membrane nephropathy (selected publications: Martin 1998 PMID: 9848783; Slajpah 2007 PMID: 17396119; Demosthenous 2012 PMID: 21332469; Pierides 2013 PMID: 24470729; Żurowska 2021 PMID: 33309955). One study suggested that this variant is likely due to a founder event in the Central/Eastern European population (Żurowska 2021 PMID: 33309955). This variant alters a glycine residue in the encoded triple helical region; glycine residues in these domains are known to be critical for proper protein structure and stability (Shoulders & Raines 2009 PMID: 19344236). Notably, this variant is typically associated with less severe and/or later onset disease than is typically seen with pathogenic variants in this gene, including other variants altering glycine residues (Slajpah 2007 PMID: 17396119; Demosthenous 2012 PMID: 21332469; Pierides 2013 PMID: 24470729; Żurowska 2021 PMID: 33309955); this may be due to its position directly adjacent to a non-collagenous interruption (Savige 2021 PMID: 33854215). It is present in gnomAD (GroupMax FAF: 0.0048%, including 23 hemizygous individuals) and has been submitted to ClinVar by many laboratories (Variation ID: 24455). Evolutionary conservation and computational prediction tools strongly support that this variant is likely to impact protein structure and/or function. In summary, it is classified as pathogenic.

Laboratory of Genetics, Children's Clinical University Hospital Latvia
Classification: Pathogenic. Last evaluated: 2025-02-16. Review status: criteria provided, single submitter. Criteria: ACMG Guidelines, 2015. Collection method: clinical testing. Allele origin: germline. Affected: yes.

Institute of Medical Genetics and Applied Genomics, University Hospital Tübingen
Classification: Likely pathogenic for X-linked Alport syndrome. Last evaluated: 2025-01-16. Review status: criteria provided, single submitter. Criteria: ACMG Guidelines, 2015. Collection method: clinical testing. Allele origin: germline. Inheritance: X-linked dominant inheritance. Affected: yes.

Department of Clinical Genetics, Medical University of Lodz
Classification: Pathogenic for X-linked Alport syndrome. Last evaluated: 2024-11-29. Review status: criteria provided, single submitter. Criteria: ACMG Guidelines, 2015. Collection method: clinical testing. Allele origin: germline. Inheritance: Autosomal dominant inheritance. Affected: yes. Observed: 4 variant alleles. Clinical features observed: Hemolytic-uremic syndrome (0005575).
Comment: Alport syndrome 1, X-linked

Blueprint Genetics
Classification: Pathogenic for COL4A5-related disorders. Last evaluated: 2024-11-23. Review status: criteria provided, single submitter. Criteria: ACMG Guidelines, 2015. Collection method: clinical testing. Allele origin: germline. Affected: yes. Observed: 5 variant alleles.

Institute of Human Genetics Munich, TUM University Hospital
Classification: Pathogenic for X-linked Alport syndrome. Last evaluated: 2024-09-06. Review status: criteria provided, single submitter. Criteria: Classification criteria August 2017. Collection method: clinical testing. Allele origin: germline, maternal. Inheritance: X-linked inheritance. Affected: yes. Observed: 5 variant alleles. Clinical features observed: Microscopic hematuria (HP:0002907), Chronic kidney disease (HP:0012622), Hematuria (HP:0000790), Abnormal mitral valve morphology (HP:0001633).